The following is an entry in ClinVar:

NM_015072.5(TTLL5):c.2487C>A (p.Asn829Lys)

Gene: TTLL5 (tubulin tyrosine ligase like 5; plus strand). Cytogenetic location: 14q24.3.
Variant type: single nucleotide variant.
Coding change: c.2487C>A on transcript NM_015072.5 (MANE Select); coding-DNA position 2487, C replaced by A.
Protein change: p.Asn829Lys; replaces asparagine 829 with lysine.
Molecular consequence: missense variant.
Genome position (GRCh38, 1-based): chr14:75,779,674, C>A. VCF-style: chr14-75779674-C-A. GRCh37 (hg19) VCF-style: chr14-76246017-C-A.
Other names: short protein forms N829K.
Identifiers: ClinVar variation 1387368 (VCV001387368.6), dbSNP rs1261281488, ClinGen allele CA390470524.

ClinVar aggregate classification (germline): Uncertain significance (1 of 4 stars; one submission).

Allele frequency attached by ClinVar (database versions not stated): gnomAD exomes below 0.00001.
gnomAD v4.1: 2 of 1,613,166 alleles (0.00012%); highest among the groups gnomAD compares: Admixed American, 0.0033%; no homozygotes.

Submission:

Labcorp Genetics (formerly Invitae), Labcorp
Classification: Uncertain significance. Last evaluated: 2022-09-27. Review status: criteria provided, single submitter. Criteria: Invitae Variant Classification Sherloc (09022015). Collection method: clinical testing. Allele origin: germline.
Comment: Advanced modeling of protein sequence and biophysical properties (such as structural, functional, and spatial information, amino acid conservation, physicochemical variation, residue mobility, and thermodynamic stability) performed at Invitae indicates that this missense variant is not expected to disrupt TTLL5 protein function. ClinVar contains an entry for this variant (Variation ID: 1387368). This variant has not been reported in the literature in individuals affected with TTLL5-related conditions. The frequency data for this variant in the population databases is considered unreliable, as metrics indicate poor data quality at this position in the gnomAD database. This sequence change replaces asparagine, which is neutral and polar, with lysine, which is basic and polar, at codon 829 of the TTLL5 protein (p.Asn829Lys). In summary, the available evidence is currently insufficient to determine the role of this variant in disease. Therefore, it has been classified as a Variant of Uncertain Significance.